The following is an entry in ClinVar:

ClinVar aggregate classification (germline): Uncertain significance. Review status: criteria provided, multiple submitters, no conflicts (2 of 4 stars). 2 submissions from 2 submitters: Uncertain significance (2). Last evaluated 2025-01-19.

Conditions:
Hereditary cancer-predisposing syndrome. Also called: Neoplastic Syndromes, Hereditary; Tumor predisposition; Hereditary neoplastic syndrome; Hereditary Cancer Syndrome. Identifiers: Orphanet 140162, MedGen C0027672, MeSH D009386, MONDO:0015356.

Allele frequency attached by ClinVar (database versions not stated): ExAC 0.00001.

Submissions (2):

Labcorp Genetics (formerly Invitae), Labcorp
Classification: Uncertain significance. Last evaluated: 2025-01-19. Review status: criteria provided, single submitter. Criteria: Invitae Variant Classification Sherloc (09022015). Collection method: clinical testing. Allele origin: germline.
Comment: This sequence change replaces asparagine, which is neutral and polar, with lysine, which is basic and polar, at codon 796 of the POLE protein (p.Asn796Lys). This variant is present in population databases (rs775617844, gnomAD 0.0009%). This variant has not been reported in the literature in individuals affected with POLE-related conditions. ClinVar contains an entry for this variant (Variation ID: 3225417). Invitae Evidence Modeling of protein sequence and biophysical properties (such as structural, functional, and spatial information, amino acid conservation, physicochemical variation, residue mobility, and thermodynamic stability) indicates that this missense variant is not expected to disrupt POLE protein function with a negative predictive value of 80%. In summary, the available evidence is currently insufficient to determine the role of this variant in disease. Therefore, it has been classified as a Variant of Uncertain Significance.

Ambry Genetics
Classification: Uncertain significance for Hereditary cancer-predisposing syndrome. Last evaluated: 2023-12-22. Review status: criteria provided, single submitter. Criteria: Ambry Variant Classification Scheme 2023. Collection method: clinical testing. Allele origin: germline.
Comment: The p.N796K variant (also known as c.2388C>A), located in coding exon 21 of the POLE gene, results from a C to A substitution at nucleotide position 2388. The asparagine at codon 796 is replaced by lysine, an amino acid with similar properties. This amino acid position is conserved. In addition, this alteration is predicted to be tolerated by in silico analysis. Since supporting evidence is limited at this time, the clinical significance of this alteration remains unclear.

NM_006231.4(POLE):c.2388C>A (p.Asn796Lys)

Gene: POLE (DNA polymerase epsilon, catalytic subunit; minus strand). Cytogenetic location: 12q24.33.
Variant type: single nucleotide variant.
Coding change: c.2388C>A on transcript NM_006231.4 (MANE Select); coding-DNA position 2388, C replaced by A.
Protein change: p.Asn796Lys; replaces asparagine 796 with lysine.
Molecular consequence: missense variant.
Genome position (GRCh38, 1-based): chr12:132,665,382, G>T on the plus strand (C>A on the coding strand, the complement: POLE is on the minus strand). VCF-style: chr12-132665382-G-T. GRCh37 (hg19) VCF-style: chr12-133241968-G-T.
Other names: short protein forms N796K.
Identifiers: ClinVar variation 3225417 (VCV003225417.3), dbSNP rs775617844, ClinGen allele CA6893572.
Genomic context (GRCh38, chr12:132,665,382, plus strand): 5'-ATAGAAGGAGTTCAGGATGCACTTGTGGGCCAGCTGCAGCGAGTCATACAGCACCTCCAT[G>T]TTCTTGCAGCGCTTCACCTCAGCCGCGTCGCCCACCTCCACGGCCGCCGAGAGCTTCTTT-3'
Protein context (NP_006222.2, residues 786-806): GDAAEVKRCK[Asn796Lys]MEVLYDSLQL